The following is an entry in ClinVar:

NM_022124.6(CDH23):c.8866C>T (p.Arg2956Cys)

Gene: CDH23 (cadherin related 23; plus strand). Cytogenetic location: 10q22.1.
Variant type: single nucleotide variant.
Coding change: c.8866C>T on transcript NM_022124.6 (MANE Select); coding-DNA position 8866, C replaced by T.
Protein change: p.Arg2956Cys; replaces arginine 2956 with cysteine.
Molecular consequence: missense variant.
Genome position (GRCh38, 1-based): chr10:71,809,963, C>T. VCF-style: chr10-71809963-C-T. GRCh37 (hg19) VCF-style: chr10-73569720-C-T.
Other names: c.2146C>T, p.Arg716Cys (NM_001171933.1, NM_001171934.1); short protein forms R2956C, R716C.
Identifiers: ClinVar variation 2136890 (VCV002136890.2), dbSNP rs751367894, ClinGen allele CA5546773.

ClinVar aggregate classification (germline): Uncertain significance. Review status: criteria provided, multiple submitters, no conflicts (2 of 4 stars). 2 submissions from 2 submitters: Uncertain significance (2). Last evaluated 2022-08-22.

Allele frequency attached by ClinVar (database versions not stated): gnomAD 0.00001; TOPMed 0.00001; ExAC 0.00002.
gnomAD v4.1: 18 of 1,612,114 alleles (0.0011%); highest among the groups gnomAD compares: Middle Eastern, 0.016%; no homozygotes.

Submissions (2):

Labcorp Genetics (formerly Invitae), Labcorp
Classification: Uncertain significance. Last evaluated: 2022-08-22. Review status: criteria provided, single submitter. Criteria: Invitae Variant Classification Sherloc (09022015). Collection method: clinical testing. Allele origin: germline.
Comment: This sequence change replaces arginine, which is basic and polar, with cysteine, which is neutral and slightly polar, at codon 2956 of the CDH23 protein (p.Arg2956Cys). The frequency data for this variant in the population databases is considered unreliable, as metrics indicate poor data quality at this position in the gnomAD database. This missense change has been observed in individual(s) with autosomal recessive sensorineural deafness (PMID: 11090341). Algorithms developed to predict the effect of missense changes on protein structure and function are either unavailable or do not agree on the potential impact of this missense change (SIFT: "Deleterious"; PolyPhen-2: "Not Available"; Align-GVGD: "Class C0"). Algorithms developed to predict the effect of sequence changes on RNA splicing suggest that this variant may create or strengthen a splice site. In summary, the available evidence is currently insufficient to determine the role of this variant in disease. Therefore, it has been classified as a Variant of Uncertain Significance.

Blueprint Genetics
Classification: Uncertain significance. Last evaluated: 2022-04-25. Review status: criteria provided, single submitter. Criteria: ACMG Guidelines, 2015. Collection method: clinical testing. Allele origin: germline.

Literature cited by the submitters: PubMed 11090341 (cited by Labcorp Genetics (formerly Invitae), Labcorp).